The following is an entry in ClinVar:

NM_015102.5(NPHP4):c.2643G>A (p.Ala881=)

Gene: NPHP4 (nephrocystin 4; minus strand). Cytogenetic location: 1p36.31.
Variant type: single nucleotide variant.
Coding change: c.2643G>A on transcript NM_015102.5 (MANE Select); coding-DNA position 2643, G replaced by A.
Protein change: p.Ala881=; no amino-acid change (alanine 881 retained).
Molecular consequence: synonymous variant. On other transcripts: non-coding transcript variant (1).
Genome position (GRCh38, 1-based): chr1:5,877,267, C>T on the plus strand (G>A on the coding strand, the complement: NPHP4 is on the minus strand). VCF-style: chr1-5877267-C-T. GRCh37 (hg19) VCF-style: chr1-5937327-C-T.
Other names: p.Ala881=; c.1104G>A, p.Ala368= (NM_001291593.2); c.1107G>A, p.Ala369= (NM_001291594.2).
Identifiers: ClinVar variation 95677 (VCV000095677.29), dbSNP rs3747990, ClinGen allele CA148739.

ClinVar aggregate classification (germline): Benign. Review status: criteria provided, multiple submitters, no conflicts (2 of 4 stars). 12 submissions from 11 submitters: Benign (10). 2 of the submissions do not count toward it. Last evaluated 2026-02-04.

Conditions:
Senior-Loken syndrome 4 (SLSN4). Identifiers: Orphanet 3156, MedGen C1846979, MONDO:0011756, OMIM 606996.
Nephronophthisis 4 (NPHP4). Also called: NEPHRONOPHTHISIS 4, JUVENILE. Identifiers: Orphanet 655, MedGen C1847013, MONDO:0011752, OMIM 606966.
Nephronophthisis. Also called: Juvenile Nephronophthisis. Identifiers: Orphanet 655, MedGen C0687120, MONDO:0019005, HP:0000090.

Allele frequency attached by ClinVar (database versions not stated): 1000 Genomes Project 30x 0.08776; 1000 Genomes Project 0.08946; TOPMed 0.11322; gnomAD 0.11763 and 0.11828; ESP Exome Variant Server 0.12545; gnomAD exomes 0.13142; ExAC 0.15110.
gnomAD v4.1: 243,978 of 1,600,490 alleles (15%); highest among the groups gnomAD compares: Non-Finnish European, 17%; 19,880 homozygotes.

Submissions (12):

Labcorp Genetics (formerly Invitae), Labcorp
Classification: Benign for Nephronophthisis. Last evaluated: 2026-02-04. Review status: criteria provided, single submitter. Criteria: Invitae Variant Classification Sherloc (09022015). Collection method: clinical testing. Allele origin: germline.

Blueprint Genetics
Classification: Benign. Last evaluated: 2024-11-26. Review status: criteria provided, single submitter. Criteria: ACMG Guidelines, 2015. Collection method: clinical testing. Allele origin: germline.

Mayo Clinic Laboratories, Mayo Clinic
Classification: Benign. Last evaluated: 2022-05-05. Review status: criteria provided, single submitter. Criteria: ACMG Guidelines, 2015. Collection method: clinical testing. Allele origin: germline. Observed: 163 variant alleles.

Genome-Nilou Lab
Classification: Benign for Nephronophthisis 4. Last evaluated: 2021-09-05. Review status: criteria provided, single submitter. Criteria: ACMG Guidelines, 2015. Collection method: clinical testing. Allele origin: germline. Affected: no.

GeneDx
Classification: Benign. Last evaluated: 2021-05-04. Review status: criteria provided, single submitter. Criteria: GeneDx Variant Classification Process June 2021. Collection method: clinical testing. Allele origin: germline. Affected: yes.

Illumina Laboratory Services, Illumina
Classification: Benign for Nephronophthisis 4. Last evaluated: 2018-01-13. Review status: criteria provided, single submitter. Criteria: ICSL Variant Classification Criteria 13 December 2019. Collection method: clinical testing. Allele origin: germline.
Comment: This variant was observed in the ICSL laboratory as part of a predisposition screen in an ostensibly healthy population. It had not been previously curated by ICSL or reported in the Human Gene Mutation Database (HGMD: prior to June 1st, 2018), and was therefore a candidate for classification through an automated scoring system. Utilizing variant allele frequency, disease prevalence and penetrance estimates, and inheritance mode, an automated score was calculated to assess if this variant is too frequent to cause the disease. Based on the score and internal cut-off values, a variant classified as benign is not then subjected to further curation. The score for this variant resulted in a classification of benign for this disease.

Illumina Laboratory Services, Illumina
Classification: Benign for Senior-Loken syndrome 4. Last evaluated: 2018-01-13. Review status: criteria provided, single submitter. Criteria: ICSL Variant Classification Criteria 13 December 2019. Collection method: clinical testing. Allele origin: germline.
Comment: the same text as in the submission from Illumina Laboratory Services, Illumina above.

Eurofins Ntd Llc (ga)
Classification: Benign. Last evaluated: 2013-10-01. Review status: criteria provided, single submitter. Criteria: EGL Classification Definitions 2015. Collection method: clinical testing. Allele origin: germline. Observed: 10 variant alleles, 10 heterozygotes.

Breakthrough Genomics
Classification: Benign. Review status: criteria provided, single submitter. Criteria: ACMG Guidelines, 2015. Collection method: not provided. Allele origin: germline. Inheritance: Autosomal recessive inheritance. Affected: yes.

PreventionGenetics, part of Exact Sciences
Classification: Benign. Review status: criteria provided, single submitter. Criteria: ACMG Guidelines, 2015. Collection method: clinical testing. Allele origin: germline.

Clinical Genetics DNA and cytogenetics Diagnostics Lab, Erasmus MC, Erasmus Medical Center
Classification: Benign. Review status: no assertion criteria provided. Collection method: clinical testing. Allele origin: germline. Affected: yes. Study: VKGL Data-share Consensus. Not counted in ClinVar's aggregate classification.

Diagnostic Laboratory, Department of Genetics, University Medical Center Groningen
Classification: Benign. Review status: no assertion criteria provided. Collection method: clinical testing. Allele origin: germline. Affected: yes. Study: VKGL Data-share Consensus. Not counted in ClinVar's aggregate classification.